The following is an entry in ClinVar:

ClinVar aggregate classification (germline): Uncertain significance (1 of 4 stars; one submission).

Submission:

Women's Health and Genetics/Laboratory Corporation of America, LabCorp
Classification: Uncertain significance. Last evaluated: 2024-11-26. Review status: criteria provided, single submitter. Criteria: LabCorp Variant Classification Summary - May 2015. Collection method: clinical testing. Allele origin: germline.
Comment: Variant summary: SLC4A11 c.374G>A (p.Arg125His) results in a non-conservative amino acid change in the encoded protein sequence. Five of five in-silico tools predict a damaging effect of the variant on protein function. The variant allele was found at a frequency of 4e-06 in 251076 control chromosomes. c.374G>A has been reported in the literature in at-least one individual affected with autosomal recessive congenital hereditary endothelial dystrophy (Hemadevi_2008). These data indicate that the variant may be associated with disease. At least one publication reports experimental evidence evaluating an impact on protein function. The most pronounced variant effect results in about 40% of normal total cell surface abundance in HEK293T cells (Alka_2018). The following publications have been ascertained in the context of this evaluation (PMID: 29327391, 18474783, 24916015). No submitters have cited clinical-significance assessments for this variant to ClinVar. Based on the evidence outlined above, the variant was classified as VUS-possibly pathogenic.

Literature cited by the submitters: PubMed 29327391; PubMed 18474783; PubMed 24916015.

NM_001174089.2(SLC4A11):c.326G>A (p.Arg109His)

Gene: SLC4A11 (solute carrier family 4 member 11; minus strand). Cytogenetic location: 20p13.
Variant type: single nucleotide variant.
Coding change: c.326G>A on transcript NM_001174089.2 (MANE Select); coding-DNA position 326, G replaced by A.
Protein change: p.Arg109His; replaces arginine 109 with histidine.
Molecular consequence: missense variant. On other transcripts: non-coding transcript variant (3).
Genome position (GRCh38, 1-based): chr20:3,234,280, C>T on the plus strand (G>A on the coding strand, the complement: SLC4A11 is on the minus strand). VCF-style: chr20-3234280-C-T. GRCh37 (hg19) VCF-style: chr20-3214926-C-T.
Other names: c.455G>A, p.Arg152His (NM_001174090.2, NM_001400280.1); c.326G>A, p.Arg109His (NM_001363745.2); c.269G>A, p.Arg90His (NM_001400277.1, NM_001400278.1, NM_001400279.1); c.374G>A, p.Arg125His (NM_032034.4); short protein forms R109H, R125H, R152H, R90H.
Identifiers: ClinVar variation 3629529 (VCV003629529.2).
Genomic context (GRCh38, chr20:3,234,280, plus strand): 5'-GCCGTCTCGTTCAGGACGATGCTGGCCTGCGCCAGGAAGCCATCTAGGTCGCGGTGCGCA[C>T]GGATCTCTTCCTTGAAGTTCTTTAACTTCAGGTACTGAGGGGACCCCAGGGACAGAACCA-3'
Protein context (NP_001167560.1, residues 99-119): LKLKNFKEEI[Arg109His]AHRDLDGFLA